The following is an entry in ClinVar:

ClinVar aggregate classification (germline): Conflicting classifications of pathogenicity. Review status: criteria provided, conflicting classifications (1 of 4 stars). 2 submissions from 2 submitters: Uncertain significance (1); Likely benign (1). Last evaluated 2025-06-18.

Conditions:
Capillary malformation-arteriovenous malformation syndrome. Also called: Capillary malformation-arteriovenous malformation. Identifiers: Orphanet 137667, MedGen C1842180, MONDO:0012016.
Cardiovascular phenotype. Identifiers: MedGen CN230736.

Allele frequency attached by ClinVar (database versions not stated): gnomAD 0.00001; gnomAD exomes 0.00002.
gnomAD v4.1: 10 of 1,594,274 alleles (0.00063%); highest among the groups gnomAD compares: East Asian, 0.023%; no homozygotes.

Submissions (2):

Ambry Genetics
Classification: Likely benign for Cardiovascular phenotype. Last evaluated: 2025-06-18. Review status: criteria provided, single submitter. Criteria: Ambry Variant Classification Scheme 2023. Collection method: clinical testing. Allele origin: germline.

Labcorp Genetics (formerly Invitae), Labcorp
Classification: Uncertain significance for Capillary malformation-arteriovenous malformation syndrome. Last evaluated: 2024-01-19. Review status: criteria provided, single submitter. Criteria: Invitae Variant Classification Sherloc (09022015). Collection method: clinical testing. Allele origin: germline.
Comment: This sequence change replaces serine, which is neutral and polar, with glycine, which is neutral and non-polar, at codon 28 of the RASA1 protein (p.Ser28Gly). This variant is present in population databases (no rsID available, gnomAD 0.02%). This variant has not been reported in the literature in individuals affected with RASA1-related conditions. Algorithms developed to predict the effect of missense changes on protein structure and function output the following: SIFT: "Not Available"; PolyPhen-2: "Benign"; Align-GVGD: "Not Available". The glycine amino acid residue is found in multiple mammalian species, which suggests that this missense change does not adversely affect protein function. In summary, the available evidence is currently insufficient to determine the role of this variant in disease. Therefore, it has been classified as a Variant of Uncertain Significance.

NM_002890.3(RASA1):c.82A>G (p.Ser28Gly)

Gene: RASA1 (RAS p21 protein activator 1; plus strand). Cytogenetic location: 5q14.3.
Variant type: single nucleotide variant.
Coding change: c.82A>G on transcript NM_002890.3 (MANE Select); coding-DNA position 82, A replaced by G.
Protein change: p.Ser28Gly; replaces serine 28 with glycine.
Molecular consequence: missense variant.
Genome position (GRCh38, 1-based): chr5:87,268,533, A>G. VCF-style: chr5-87268533-A-G. GRCh37 (hg19) VCF-style: chr5-86564350-A-G.
Other names: short protein forms S28G.
Identifiers: ClinVar variation 2742637 (VCV002742637.4), dbSNP rs1289822620, ClinGen allele CA360416742.